The following is an entry in ClinVar:

ClinVar aggregate classification (germline): Uncertain significance (1 of 4 stars; one submission).

Conditions:
Polycystic kidney disease, adult type (PKD1). Also called: Polycystic Kidney Disease 1, Autosomal Dominant; Polycystic kidney disease 1; Polycystic kidney disease 1, severe; Polycystic Kidney, Autosomal Dominant; POLYCYSTIC KIDNEY DISEASE 1 WITH OR WITHOUT POLYCYSTIC LIVER DISEASE; POLYCYSTIC KIDNEY DISEASE, ADULT, TYPE I. Identifiers: MedGen C3149841, MONDO:0008263, OMIM 173900.

Submission:

Victorian Clinical Genetics Services, Murdoch Childrens Research Institute
Classification: Uncertain significance for Polycystic kidney disease, adult type. Last evaluated: 2025-12-18. Review status: criteria provided, single submitter. Criteria: ACMG Guidelines, 2015. Collection method: clinical testing. Allele origin: germline. Affected: yes.
Comment: This variant is classified as VUS-3A. Evidence in support of pathogenic classification: Variant is absent from gnomAD (v2, v3 and v4); Missense variant predicted to be damaging by in silico tool(s) or highly conserved with a major amino acid change. Additional information: Variant is predicted to result in a missense amino acid change from phenylalanine to cysteine; This variant is heterozygous; This gene is associated with autosomal dominant disease. Polycystic kidney disease 1 (MIM#173900) is predominantly caused by monoallelic variants, with rare reports of biallelic variants causing disease (OMIM); This variant has no previous evidence of pathogenicity; No published functional evidence has been identified for this variant; Other missense variant(s) comparable to the one identified in this case have inconclusive previous evidence for pathogenicity. p.(Phe2338Leu) has been classified as VUS by a clinical laboratory in ClinVar, and p.(Phe2338Ser) has been reported in the literature in an individual with ADPKD (PMID: 36938073); Variant is located in the annotated REJ domain (DECIPHER); Loss of function is a known mechanism of disease in this gene and is associated with polycystic kidney disease 1 (MIM#173900).

Literature cited by the submitters: PubMed 36938073.

NM_001009944.3(PKD1):c.7013T>G (p.Phe2338Cys)

Gene: PKD1 (polycystin 1, transient receptor potential channel interacting; minus strand). Cytogenetic location: 16p13.3.
Variant type: single nucleotide variant.
Coding change: c.7013T>G on transcript NM_001009944.3 (MANE Select); coding-DNA position 7013, T replaced by G.
Protein change: p.Phe2338Cys; replaces phenylalanine 2338 with cysteine.
Molecular consequence: missense variant.
Genome position (GRCh38, 1-based): chr16:2,107,935, A>C on the plus strand (T>G on the coding strand, the complement: PKD1 is on the minus strand). VCF-style: chr16-2107935-A-C. GRCh37 (hg19) VCF-style: chr16-2157936-A-C.
Other names: c.7013T>G, p.Phe2338Cys (NM_000296.4); short protein forms F2338C.
Identifiers: ClinVar variation 1805906 (VCV001805906.2), dbSNP rs2544795627, ClinGen allele CA394372423.